The following is an entry in ClinVar:

ClinVar aggregate classification (germline): Uncertain significance (1 of 4 stars; one submission).

Submission:

Women's Health and Genetics/Laboratory Corporation of America, LabCorp
Classification: Uncertain significance. Last evaluated: 2023-10-12. Review status: criteria provided, single submitter. Criteria: LabCorp Variant Classification Summary - May 2015. Collection method: clinical testing. Allele origin: germline.
Comment: Variant summary: DPH1 c.801_803delCAT (p.Met268del) results in an in-frame deletion that is predicted to remove one amino acids from the encoded protein. The variant was absent in 249454 control chromosomes. The available data on variant occurrences in the general population are insufficient to allow any conclusion about variant significance. To our knowledge, no occurrence of c.801_803delCAT in individuals affected with Developmental Delay With Short Stature, Dysmorphic Facial Features, And Sparse Hair 1 and no experimental evidence demonstrating its impact on protein function have been reported. No submitters have cited clinical-significance assessments for this variant to ClinVar after 2014. Based on the evidence outlined above, the variant was classified as uncertain significance.

NM_001383.6(DPH1):c.801_803del (p.Met268del)

Gene: DPH1 (diphthamide biosynthesis 1; plus strand). Cytogenetic location: 17p13.3.
Variant type: Deletion.
Coding change: c.801_803del on transcript NM_001383.6 (MANE Select); coding-DNA positions 801 to 803, 3 bases deleted (CAT; older notation c.801_803delCAT).
Protein change: p.Met268del; deletes methionine 268.
Molecular consequence: inframe deletion. On other transcripts: non-coding transcript variant (3).
Genome position (GRCh38, 1-based): chr17:2,040,269-2,040,271, CAT deleted. VCF-style (leftmost placement, unchanged base first): chr17-2040268-GCAT-G. GRCh37 (hg19) VCF-style: chr17-1943562-GCAT-G.
Other names: c.801_803delCAT (NM_001383.6); c.816_818del, p.Met273del (NM_001346574.1); c.783_785del, p.Met262del (NM_001346575.1); c.396_398del, p.Met133del (NM_001346576.2); short protein forms M133del, M262del, M268del, M273del.
Identifiers: ClinVar variation 2637693 (VCV002637693.1), dbSNP rs2543526911, ClinGen allele CA2695201213.